The following is an entry in ClinVar:

NM_000038.6(APC):c.3175_3179del (p.Glu1059fs)

Gene: APC (APC regulator of Wnt signaling pathway; plus strand). Cytogenetic location: 5q22.2.
Variant type: Deletion.
Coding change: c.3175_3179del on transcript NM_000038.6 (MANE Select); coding-DNA positions 3175 to 3179, 5 bases deleted (GAAAT; older notation c.3175_3179delGAAAT).
Protein change: p.Glu1059fs; shifts the reading frame from glutamic acid 1059.
Molecular consequence: frameshift variant.
Genome position (GRCh38, 1-based): chr5:112,838,769-112,838,773, GAAAT deleted; deleting any 5 consecutive bases within chr5:112,838,767-112,838,773 gives the same sequence; the c. name uses the placement nearest the transcript's 3' end. VCF-style (leftmost placement, unchanged base first): chr5-112838766-GATGAA-G. GRCh37 (hg19) VCF-style: chr5-112174463-GATGAA-G.
Other names: c.3175_3179del, p.Glu1059fs (NM_001127510.3, NM_001354895.2); c.3121_3125del, p.Glu1041fs (NM_001127511.3); c.3229_3233del, p.Glu1077fs (NM_001354896.2); c.3205_3209del, p.Glu1069fs (NM_001354897.2); c.3100_3104del, p.Glu1034fs (NM_001354898.2); c.3091_3095del, p.Glu1031fs (NM_001354899.2); c.3052_3056del, p.Glu1018fs (NM_001354900.2); c.2998_3002del, p.Glu1000fs (NM_001354901.2); and 16 more; short protein forms E1069fs, E776fs, E899fs, E1034fs, E933fs, E1000fs, E1018fs, E1077fs.
Identifiers: ClinVar variation 1728480 (VCV001728480.4), dbSNP rs2533476903, ClinGen allele CA2580072822.

ClinVar aggregate classification (germline): Pathogenic. Review status: criteria provided, multiple submitters, no conflicts (2 of 4 stars). 2 submissions from 2 submitters: Pathogenic (2). Last evaluated 2025-02-20.

Conditions:
Familial adenomatous polyposis 1 (FAP1). Also called: FAMILIAL ADENOMATOUS POLYPOSIS 1, ATTENUATED; POLYPOSIS, ADENOMATOUS INTESTINAL. Identifiers: MedGen C2713442, MONDO:0021056, OMIM 175100. Disease mechanism: loss of function.
Hereditary cancer-predisposing syndrome. Also called: Tumor predisposition; Neoplastic Syndromes, Hereditary; Hereditary Cancer Syndrome; Hereditary neoplastic syndrome. Identifiers: Orphanet 140162, MedGen C0027672, MeSH D009386, MONDO:0015356.

Submissions (2):

Ambry Genetics
Classification: Pathogenic for Hereditary cancer-predisposing syndrome. Last evaluated: 2025-02-20. Review status: criteria provided, single submitter. Criteria: Ambry Variant Classification Scheme 2023. Collection method: clinical testing. Allele origin: germline.
Comment: The c.3175_3179delGAAAT pathogenic mutation, located in coding exon 15 of the APC gene, results from a deletion of 5 nucleotides at nucleotide positions 3175 to 3179, causing a translational frameshift with a predicted alternate stop codon (p.E1059Kfs*4). This alteration occurs at the 3' terminus of theAPC gene, is not expected to trigger nonsense-mediated mRNA decay, and impacts the last 1785 amino acids of the protein. However, premature stop codons are typically deleterious in nature and the impacted region is critical for protein function and a significant portion of the protein is affected (Ambry internal data). This variant has been observed in at least one individual with a personal and/or family history that is consistent with APC-related disease (Ambry internal data). This variant is considered to be rare based on population cohorts in the Genome Aggregation Database (gnomAD). Based on the supporting evidence, this alteration is interpreted as a disease-causing mutation.

Myriad Genetics, Inc.
Classification: Pathogenic for Familial adenomatous polyposis 1. Last evaluated: 2023-05-05. Review status: criteria provided, single submitter. Criteria: Myriad Autosomal Dominant, Autosomal Recessive and X-Linked Classification Criteria (2023). Collection method: clinical testing. Allele origin: unknown.
Comment: This variant is considered pathogenic. This variant creates a frameshift predicted to result in premature protein truncation.